The following is an entry in ClinVar:

NM_001987.5(ETV6):c.873G>C (p.Arg291Ser)

Gene: ETV6 (ETS variant transcription factor 6; plus strand). Cytogenetic location: 12p13.2.
Variant type: single nucleotide variant.
Coding change: c.873G>C on transcript NM_001987.5 (MANE Select); coding-DNA position 873, G replaced by C.
Protein change: p.Arg291Ser; replaces arginine 291 with serine.
Molecular consequence: missense variant.
Genome position (GRCh38, 1-based): chr12:11,869,833, G>C. VCF-style: chr12-11869833-G-C. GRCh37 (hg19) VCF-style: chr12-12022767-G-C.
Other names: c.870G>C, p.Arg290Ser (NM_001413913.1); c.846G>C, p.Arg282Ser (NM_001413914.1); c.609G>C, p.Arg203Ser (NM_001413915.1); c.873G>C, p.Arg291Ser (NM_001413916.1, NM_001413917.1); short protein forms R282S, R203S, R291S, R290S.
Identifiers: ClinVar variation 5036183 (VCV005036183.1).

ClinVar aggregate classification (germline): Uncertain significance (1 of 4 stars; one submission).

Conditions:
Inborn genetic diseases. Identifiers: MedGen C0950123, MeSH D030342.

gnomAD v4.1: 1 of 1,613,360 alleles (0.000062%); highest among the groups gnomAD compares: South Asian, 0.0011%; no homozygotes.

Submission:

Ambry Genetics
Classification: Uncertain significance for Inborn genetic diseases. Last evaluated: 2026-07-07. Review status: criteria provided, single submitter. Criteria: Ambry Variant Classification Scheme 2023. Collection method: clinical testing. Allele origin: germline.
Comment: The p.R291S variant (also known as c.873G>C), located in coding exon 5 of the ETV6 gene, results from a G to C substitution at nucleotide position 873. The arginine at codon 291 is replaced by serine, an amino acid with dissimilar properties. This amino acid position is conserved. In addition, this alteration is predicted to be tolerated by in silico analysis. Based on the available evidence, the clinical significance of this variant remains unclear.